The following is an entry in ClinVar:

NM_020975.6(RET):c.1546C>T (p.Pro516Ser)

Gene: RET (ret proto-oncogene; plus strand). Cytogenetic location: 10q11.21.
Variant type: single nucleotide variant.
Coding change: c.1546C>T on transcript NM_020975.6 (MANE Select); coding-DNA position 1546, C replaced by T.
Protein change: p.Pro516Ser; replaces proline 516 with serine.
Molecular consequence: missense variant.
Genome position (GRCh38, 1-based): chr10:43,112,122, C>T. VCF-style: chr10-43112122-C-T. GRCh37 (hg19) VCF-style: chr10-43607570-C-T.
Other names: c.520C>T, p.Pro174Ser (NM_001406786.1, NM_001406783.1); c.649C>T, p.Pro217Ser (NM_001406787.1, NM_001406779.1, NM_001406780.1 and 3 more transcripts); c.361C>T, p.Pro121Ser (NM_001406788.1, NM_001406789.1, NM_001406790.1 and 1 more transcripts); c.97C>T, p.Pro33Ser (NM_001406792.1, NM_001406793.1, NM_001406794.1); c.1546C>T, p.Pro516Ser (NM_020629.2, NM_020630.7, NM_000323.2 and 6 more transcripts); c.784C>T, p.Pro262Ser (NM_001355216.2); c.1417C>T, p.Pro473Ser (NM_001406761.1, NM_001406762.1, NM_001406764.1 and 1 more transcripts); c.1258C>T, p.Pro420Ser (NM_001406766.1, NM_001406767.1, NM_001406770.1); and 5 more; short protein forms P121S, P174S, P186S, P217S, P262S, P274S, P33S, P341S.
Identifiers: ClinVar variation 3070781 (VCV003070781.1), dbSNP rs1588872077, ClinGen allele CA376550289.

ClinVar aggregate classification (germline): Uncertain significance (1 of 4 stars; one submission).

Conditions:
Multiple endocrine neoplasia, type 2 (MEN2). Identifiers: Orphanet 653, MedGen C4048306, MONDO:0019003. Disease mechanism: gain of function.

Submission:

All of Us Research Program, National Institutes of Health
Classification: Uncertain significance for Multiple endocrine neoplasia, type 2. Last evaluated: 2023-05-04. Review status: criteria provided, single submitter. Criteria: ACMG Guidelines, 2015. Collection method: clinical testing. Allele origin: germline. Inheritance: Autosomal dominant inheritance. Observed: 1 variant allele, 1 heterozygote.
Comment: This missense variant replaces proline with serine at codon 516 of the RET protein. Computational prediction suggests that this variant may not impact protein structure and function (internally defined REVEL score threshold <= 0.5, PMID: 27666373). To our knowledge, functional studies have not been reported for this variant. This variant has not been reported as a germline variant in individuals affected with RET-related cancer in the literature. This variant has not been identified in the general population by the Genome Aggregation Database (gnomAD). The available evidence is insufficient to determine the role of this variant in disease conclusively. Therefore, this variant is classified as a Variant of Uncertain Significance.

This study involves interpretation of variants in research participants for the purpose of population health screening. Participant phenotype was not available at the time of variant classification. Additional details can be found in publication PMID: 35346344, PMCID: PMC8962531